The following is an entry in ClinVar:

NM_001165963.4(SCN1A):c.3325C>A (p.Pro1109Thr)

Genes: SCN1A (sodium voltage-gated channel alpha subunit 1; minus strand), LOC102724058 (uncharacterized LOC102724058; plus strand). Cytogenetic location: 2q24.3.
Variant type: single nucleotide variant.
Coding change: c.3325C>A on transcript NM_001165963.4 (MANE Select); coding-DNA position 3325, C replaced by A.
Protein change: p.Pro1109Thr; replaces proline 1109 with threonine.
Molecular consequence: missense variant. On other transcripts: non-coding transcript variant (2).
Genome position (GRCh38, 1-based): chr2:166,036,152, G>T on the plus strand (C>A on the coding strand, the complement: SCN1A is on the minus strand). VCF-style: chr2-166036152-G-T. GRCh37 (hg19) VCF-style: chr2-166892662-G-T.
Other names: c.3241C>A, p.Pro1081Thr (NM_001165964.3, NM_001353957.2, NM_001353958.2); c.3325C>A, p.Pro1109Thr (NM_001202435.3, NM_001353948.2); c.3292C>A, p.Pro1098Thr (NM_001353949.2, NM_001353950.2, NM_001353951.2 and 2 more transcripts); c.3289C>A, p.Pro1097Thr (NM_001353954.2, NM_001353955.2); c.3238C>A, p.Pro1080Thr (NM_001353960.2); c.883C>A, p.Pro295Thr (NM_001353961.2); short protein forms P1080T, P1081T, P1097T, P1098T, P1109T, P295T.
Identifiers: ClinVar variation 1208067 (VCV001208067.11), dbSNP rs753452775, ClinGen allele CA1942991.

ClinVar aggregate classification (germline): Uncertain significance. Review status: criteria provided, multiple submitters, no conflicts (2 of 4 stars). 3 submissions from 3 submitters: Uncertain significance (3). Last evaluated 2024-03-21.

Conditions:
Early-infantile DEE. Also called: Early infantile epileptic encephalopathy; Ohtahara syndrome; Early infantile epileptic encephalopathy with suppression bursts. Identifiers: Orphanet 1934, MedGen C0393706, MONDO:0800491.

Allele frequency attached by ClinVar (database versions not stated): ExAC 0.00001; gnomAD 0.00001; gnomAD exomes 0.00002 and 0.00003; TOPMed 0.00002.
gnomAD v4.1: 46 of 1,613,826 alleles (0.0029%); highest among the groups gnomAD compares: Non-Finnish European, 0.0038%; no homozygotes.

Submissions (3):

Labcorp Genetics (formerly Invitae), Labcorp
Classification: Uncertain significance for Early-infantile DEE. Last evaluated: 2024-03-21. Review status: criteria provided, single submitter. Criteria: Invitae Variant Classification Sherloc (09022015). Collection method: clinical testing. Allele origin: germline.
Comment: This sequence change replaces proline, which is neutral and non-polar, with threonine, which is neutral and polar, at codon 1109 of the SCN1A protein (p.Pro1109Thr). This variant is present in population databases (rs753452775, gnomAD 0.004%). This variant has not been reported in the literature in individuals affected with SCN1A-related conditions. ClinVar contains an entry for this variant (Variation ID: 1208067). Advanced modeling of protein sequence and biophysical properties (such as structural, functional, and spatial information, amino acid conservation, physicochemical variation, residue mobility, and thermodynamic stability) performed at Invitae indicates that this missense variant is expected to disrupt SCN1A protein function with a positive predictive value of 95%. In summary, the available evidence is currently insufficient to determine the role of this variant in disease. Therefore, it has been classified as a Variant of Uncertain Significance.

Blueprint Genetics
Classification: Uncertain significance. Last evaluated: 2023-03-16. Review status: criteria provided, single submitter. Criteria: ACMG Guidelines, 2015. Collection method: clinical testing. Allele origin: germline.

GeneDx
Classification: Uncertain significance. Last evaluated: 2021-02-24. Review status: criteria provided, single submitter. Criteria: GeneDx Variant Classification Process June 2021. Collection method: clinical testing. Allele origin: germline. Affected: yes.
Comment: Reported as inherited from an unaffected parent in a patient with Dravet syndrome who also harbored a second de novo SCN1A variant (Depienne et al., 2019); Missense variants in this gene are often considered pathogenic (Stenson et al., 2014); This substitution is predicted to be in the cytoplasmic loop between the second and third homologous domains; In silico analysis supports that this missense variant has a deleterious effect on protein structure/function; This variant is associated with the following publications: (PMID: 18930999, 21248271)